The following is an entry in ClinVar:

NM_006767.4(LZTR1):c.141del (p.Phe48fs)

Gene: LZTR1 (leucine zipper like post translational regulator 1; plus strand). Cytogenetic location: 22q11.21.
Variant type: Deletion.
Coding change: c.141del on transcript NM_006767.4 (MANE Select); coding-DNA position 141, one base deleted (C; older notation c.141delC).
Protein change: p.Phe48fs; shifts the reading frame from phenylalanine 48.
Molecular consequence: frameshift variant.
Genome position (GRCh38, 1-based): chr22:20,982,512, C deleted; the last of 3 consecutive C bases (chr22:20,982,510-20,982,512); deleting any one gives the same sequence. VCF-style (leftmost placement, unchanged base first): chr22-20982509-GC-G. GRCh37 (hg19) VCF-style: chr22-21336798-GC-G.
Other names: short protein forms F48fs.
Identifiers: ClinVar variation 3869262 (VCV003869262.1).

ClinVar aggregate classification (germline): Pathogenic (1 of 4 stars; one submission).

Conditions:
Hereditary cancer-predisposing syndrome. Also called: Hereditary neoplastic syndrome; Neoplastic Syndromes, Hereditary; Tumor predisposition; Hereditary Cancer Syndrome. Identifiers: Orphanet 140162, MedGen C0027672, MeSH D009386, MONDO:0015356.
Cardiovascular phenotype. Identifiers: MedGen CN230736.

Submission:

Ambry Genetics
Classification: Pathogenic for Cardiovascular phenotype; Hereditary cancer-predisposing syndrome. Last evaluated: 2024-12-24. Review status: criteria provided, single submitter. Criteria: Ambry Variant Classification Scheme 2023. Collection method: clinical testing. Allele origin: germline.
Comment: The c.141delC pathogenic mutation, located in coding exon 1 of the LZTR1 gene, results from a deletion of one nucleotide at nucleotide position 141, causing a translational frameshift with a predicted alternate stop codon (p.F48Sfs*53). This alteration is expected to result in loss of function by premature protein truncation or nonsense-mediated mRNA decay. Loss-of-function variants in LZTR1 are related to an increased risk for schwannomas and autosomal recessive Noonan syndrome; however, such associations with autosomal dominant Noonan syndrome have not been observed (Piotrowski A et al. Nat Genet. 2014 Feb;46:182-7; Yamamoto GL et al. J Med Genet. 2015 Jun;52:413-21; Johnston JJ et al. Genet Med. 2018 10;20:1175-1185). Based on the supporting evidence, this variant is pathogenic for an increased risk of LZTR1-related schwannomatosis (SWN) and would be expected to cause autosomal recessive Noonan syndrome when present along with a second pathogenic or likely pathogenic variant on the other allele; however, the association of this alteration with autosomal dominant Noonan syndrome is unlikely.